The following is an entry in ClinVar:

ClinVar aggregate classification (germline): Uncertain significance (1 of 4 stars; one submission).

Conditions:
Hereditary cancer-predisposing syndrome. Also called: Tumor predisposition; Neoplastic Syndromes, Hereditary; Hereditary Cancer Syndrome; Hereditary neoplastic syndrome. Identifiers: Orphanet 140162, MedGen C0027672, MeSH D009386, MONDO:0015356.

Submission:

Ambry Genetics
Classification: Uncertain significance for Hereditary cancer-predisposing syndrome. Last evaluated: 2024-07-27. Review status: criteria provided, single submitter. Criteria: Ambry Variant Classification Scheme 2023. Collection method: clinical testing. Allele origin: germline.
Comment: The p.P217A variant (also known as c.649C>G), located in coding exon 6 of the FANCC gene, results from a C to G substitution at nucleotide position 649. The proline at codon 217 is replaced by alanine, an amino acid with highly similar properties. This amino acid position is conserved. In addition, this alteration is predicted to be tolerated by in silico analysis. Based on the available evidence, the clinical significance of this variant remains unclear.

NM_000136.3(FANCC):c.649C>G (p.Pro217Ala)

Genes: FANCC (FA complementation group C; minus strand), AOPEP (aminopeptidase O (putative); plus strand). Cytogenetic location: 9q22.32.
Variant type: single nucleotide variant.
Coding change: c.649C>G on transcript NM_000136.3 (MANE Select); coding-DNA position 649, C replaced by G.
Protein change: p.Pro217Ala; replaces proline 217 with alanine.
Molecular consequence: missense variant.
Genome position (GRCh38, 1-based): chr9:95,149,960, G>C on the plus strand (C>G on the coding strand, the complement: FANCC is on the minus strand). VCF-style: chr9-95149960-G-C. GRCh37 (hg19) VCF-style: chr9-97912242-G-C.
Other names: c.649C>G, p.Pro217Ala (NM_001243743.2, NM_001243744.2); short protein forms P217A.
Identifiers: ClinVar variation 3512767 (VCV003512767.1).